The following is an entry in ClinVar:

ClinVar aggregate classification (germline): Likely pathogenic (1 of 4 stars; one submission).

Conditions:
Tyrosinemia type I (TYRSN1). Also called: Tyrosinemia type 1; Fumarylacetoacetase deficiency; FAH DEFICIENCY; Deficiency of fumarylacetoacetase; HEPATORENAL TYROSINEMIA. Identifiers: Orphanet 882, MedGen C0268490, MONDO:0010161, OMIM 276700. Disease mechanism: loss of function.

Submission:

Labcorp Genetics (formerly Invitae), Labcorp
Classification: Likely pathogenic for Tyrosinemia type I. Last evaluated: 2022-08-16. Review status: criteria provided, single submitter. Criteria: Invitae Variant Classification Sherloc (09022015). Collection method: clinical testing. Allele origin: germline.
Comment: This sequence change affects a donor splice site in intron 1 of the FAH gene. It is expected to disrupt RNA splicing. Variants that disrupt the donor or acceptor splice site typically lead to a loss of protein function (PMID: 16199547), and loss-of-function variants in FAH are known to be pathogenic (PMID: 9101289, 9633815). This variant is not present in population databases (gnomAD no frequency). This variant has not been reported in the literature in individuals affected with FAH-related conditions. ClinVar contains an entry for this variant (Variation ID: 1522883). Algorithms developed to predict the effect of sequence changes on RNA splicing suggest that this variant may disrupt the consensus splice site. In summary, the currently available evidence indicates that the variant is pathogenic, but additional data are needed to prove that conclusively. Therefore, this variant has been classified as Likely Pathogenic.

Literature cited by the submitters: PubMed 16199547; PubMed 9101289; PubMed 9633815.

NM_000137.4(FAH):c.81+2T>G

Gene: FAH (fumarylacetoacetate hydrolase; plus strand). Cytogenetic location: 15q25.1.
Variant type: single nucleotide variant.
Coding change: c.81+2T>G on transcript NM_000137.4 (MANE Select); the canonical splice donor site of the intron after coding-DNA position 81, T replaced by G.
Molecular consequence: splice donor variant.
Genome position (GRCh38, 1-based): chr15:80,153,137, T>G. VCF-style: chr15-80153137-T-G. GRCh37 (hg19) VCF-style: chr15-80445479-T-G.
Other names: c.81+2T>G (NM_001374377.1, NM_001374380.1).
Identifiers: ClinVar variation 1522883 (VCV001522883.6), dbSNP rs772895065, ClinGen allele CA393615677.
Genomic context (GRCh38, chr15:80,153,137, plus strand): 5'-AGGATTCCGACTTCCCCATCCACAACCTGCCCTACGGCGTCTTCTCGACCAGAGGCGACG[T>G]GAGCAGTGGGGCTTTGGCGTCCGGGCGCGGGGAGGGAGTGGAGTGGAGTGGAGTGGAGTG-3'